The following is an entry in ClinVar:

ClinVar aggregate classification (germline): Likely benign. Review status: criteria provided, multiple submitters, no conflicts (2 of 4 stars). 2 submissions from 2 submitters: Likely benign (2). Last evaluated 2023-05-01.

Allele frequency attached by ClinVar (database versions not stated): 1000 Genomes Project 30x 0.00109; 1000 Genomes Project 0.00120; gnomAD 0.00335 and 0.00350; ESP Exome Variant Server 0.00383; ExAC 0.00265; gnomAD exomes 0.00289; TOPMed 0.00314.
gnomAD v4.1: 7,144 of 1,613,970 alleles (0.44%); highest among the groups gnomAD compares: Non-Finnish European, 0.55%; 27 homozygotes.

Submissions (2):

CeGaT Center for Human Genetics Tuebingen
Classification: Likely benign. Last evaluated: 2023-05-01. Review status: criteria provided, single submitter. Criteria: CeGaT Center For Human Genetics Tuebingen Variant Classification Criteria Version 2. Collection method: clinical testing. Allele origin: germline. Affected: yes. Observed: 1 variant allele.
Comment: DISP3: BS2

Labcorp Genetics (formerly Invitae), Labcorp
Classification: Likely benign. Last evaluated: 2017-12-18. Review status: criteria provided, single submitter. Criteria: Invitae Variant Classification Sherloc (09022015). Collection method: clinical testing. Allele origin: germline.

NM_020780.2(DISP3):c.1625G>A (p.Arg542His)

Gene: DISP3 (dispatched RND transporter family member 3; plus strand). Cytogenetic location: 1p36.22.
Variant type: single nucleotide variant.
Coding change: c.1625G>A on transcript NM_020780.2 (MANE Select); coding-DNA position 1625, G replaced by A.
Protein change: p.Arg542His; replaces arginine 542 with histidine.
Molecular consequence: missense variant.
Genome position (GRCh38, 1-based): chr1:11,516,037, G>A. VCF-style: chr1-11516037-G-A. GRCh37 (hg19) VCF-style: chr1-11576094-G-A.
Other names: short protein forms R542H.
Identifiers: ClinVar variation 782971 (VCV000782971.27), dbSNP rs41274532, ClinGen allele CA591713.